The following is an entry in ClinVar:

ClinVar aggregate classification (germline): Uncertain significance. Review status: criteria provided, single submitter (1 of 4 stars). 2 submissions from 2 submitters: Uncertain significance (1). 1 of the submissions does not count toward it. Last evaluated 2024-09-02.

Conditions:
Very long chain acyl-CoA dehydrogenase deficiency (ACADVLD). Also called: Very Long-Chain Acyl-Coenzyme A Dehydrogenase Deficiency; VLCAD Deficiency. Identifiers: Orphanet 26793, MedGen C3887523, MONDO:0008723, OMIM 201475.

Allele frequency attached by ClinVar (database versions not stated): gnomAD 0.00001; TOPMed 0.00001.
gnomAD v4.1: 1 of 1,586,120 alleles (0.000063%); highest among the groups gnomAD compares: Non-Finnish European, 0.000085%; no homozygotes.

Submissions (2):

Labcorp Genetics (formerly Invitae), Labcorp
Classification: Uncertain significance for Very long chain acyl-CoA dehydrogenase deficiency. Last evaluated: 2024-09-02. Review status: criteria provided, single submitter. Criteria: Invitae Variant Classification Sherloc (09022015). Collection method: clinical testing. Allele origin: germline.
Comment: This sequence change falls in intron 1 of the ACADVL gene. It does not directly change the encoded amino acid sequence of the ACADVL protein. This variant is not present in population databases (gnomAD no frequency). This variant has not been reported in the literature in individuals affected with ACADVL-related conditions. ClinVar contains an entry for this variant (Variation ID: 555135). Algorithms developed to predict the effect of sequence changes on RNA splicing suggest that this variant may disrupt the consensus splice site. In summary, the available evidence is currently insufficient to determine the role of this variant in disease. Therefore, it has been classified as a Variant of Uncertain Significance.

Counsyl
Classification: Likely benign for Very long chain acyl-CoA dehydrogenase deficiency. Last evaluated: 2017-11-17. Review status: no assertion criteria provided. Collection method: clinical testing. Allele origin: unknown. Not counted in ClinVar's aggregate classification.

NM_000018.4(ACADVL):c.63-18A>G

Genes: ACADVL (acyl-CoA dehydrogenase very long chain; plus strand), LOC130060113 (ATAC-STARR-seq lymphoblastoid silent region 8088; plus strand). Cytogenetic location: 17p13.1.
Variant type: single nucleotide variant.
Coding change: c.63-18A>G on transcript NM_000018.4 (MANE Select); 18 bases into the intron before coding-DNA position 63, A replaced by G.
Molecular consequence: intron variant. On other transcripts: 5 prime UTR variant (1).
Genome position (GRCh38, 1-based): chr17:7,220,104, A>G. VCF-style: chr17-7220104-A-G. GRCh37 (hg19) VCF-style: chr17-7123423-A-G.
Other names: c.-184A>G (NM_001270448.2); c.132-18A>G (NM_001270447.2); c.63-18A>G (NM_001033859.3).
Identifiers: ClinVar variation 555135 (VCV000555135.5), dbSNP rs1481782237, ClinGen allele CA658824832.